The following is an entry in ClinVar:

ClinVar aggregate classification (germline): Uncertain significance (1 of 4 stars; one submission).

Allele frequency attached by ClinVar (database versions not stated): gnomAD exomes below 0.00001.
gnomAD v4.1: 1 of 1,612,410 alleles (0.000062%); highest among the groups gnomAD compares: Non-Finnish European, 0.000085%; no homozygotes.

Submission:

Labcorp Genetics (formerly Invitae), Labcorp
Classification: Uncertain significance. Last evaluated: 2022-08-15. Review status: criteria provided, single submitter. Criteria: Invitae Variant Classification Sherloc (09022015). Collection method: clinical testing. Allele origin: germline.
Comment: In summary, the available evidence is currently insufficient to determine the role of this variant in disease. Therefore, it has been classified as a Variant of Uncertain Significance. Algorithms developed to predict the effect of sequence changes on RNA splicing suggest that this variant may create or strengthen a splice site. ClinVar contains an entry for this variant (Variation ID: 1404732). This variant has not been reported in the literature in individuals affected with PLAA-related conditions. This variant is not present in population databases (gnomAD no frequency). This sequence change creates a premature translational stop signal (p.Trp217*) in the PLAA gene. It is expected to result in an absent or disrupted protein product. However, the current clinical and genetic evidence is not sufficient to establish whether loss-of-function variants in PLAA cause disease.

NM_001031689.3(PLAA):c.651G>A (p.Trp217Ter)

Gene: PLAA (phospholipase A2 activating protein; minus strand). Cytogenetic location: 9p21.2.
Variant type: single nucleotide variant.
Coding change: c.651G>A on transcript NM_001031689.3 (MANE Select); coding-DNA position 651, G replaced by A.
Protein change: p.Trp217Ter; replaces tryptophan 217 with a stop codon.
Molecular consequence: nonsense.
Genome position (GRCh38, 1-based): chr9:26,926,475, C>T on the plus strand (G>A on the coding strand, the complement: PLAA is on the minus strand). VCF-style: chr9-26926475-C-T. GRCh37 (hg19) VCF-style: chr9-26926473-C-T.
Other names: c.651G>A, p.Trp217Ter (NM_001321546.2); short protein forms W217*.
Identifiers: ClinVar variation 1404732 (VCV001404732.6), dbSNP rs2131393817, ClinGen allele CA373133613.